The following is an entry in ClinVar:

NM_001277115.2(DNAH11):c.11259G>T (p.Met3753Ile)

Gene: DNAH11 (dynein axonemal heavy chain 11; plus strand). Cytogenetic location: 7p15.3.
Variant type: single nucleotide variant.
Coding change: c.11259G>T on transcript NM_001277115.2 (MANE Select); coding-DNA position 11259, G replaced by T.
Protein change: p.Met3753Ile; replaces methionine 3753 with isoleucine.
Molecular consequence: missense variant.
Genome position (GRCh38, 1-based): chr7:21,861,909, G>T. VCF-style: chr7-21861909-G-T. GRCh37 (hg19) VCF-style: chr7-21901527-G-T.
Other names: short protein forms M3753I.
Identifiers: ClinVar variation 3362847 (VCV003362847.3).
Genomic context (GRCh38, chr7:21,861,909, plus strand): 5'-CCAGGCTTTTAACGTGCTGTTCCACAGAGCGATCGAGCAGGCTGACAAGGTGGAAGACAT[G>T]CAGGGACGCATCTCTATCCTGATGGAGAGCATCACCCATGCTGTCTTCCTCTACACCAGC-3'
Protein context (NP_001264044.1, residues 3743-3763): AIEQADKVED[Met3753Ile]QGRISILMES

ClinVar aggregate classification (germline): Uncertain significance (1 of 4 stars; one submission).

Conditions:
Primary ciliary dyskinesia 7. Also called: CILIARY DYSKINESIA, PRIMARY, 7, WITH OR WITHOUT SITUS INVERSUS. Identifiers: Orphanet 244, MedGen C2678473, MONDO:0012748, OMIM 611884.

gnomAD v4.1: 2 of 1,613,586 alleles (0.00012%); highest among the groups gnomAD compares: South Asian, 0.0011%; no homozygotes.

Submission:

Neuberg Centre For Genomic Medicine, NCGM
Classification: Uncertain significance for Primary ciliary dyskinesia 7. Review status: criteria provided, single submitter. Criteria: ACMG Guidelines, 2015. Collection method: clinical testing. Allele origin: germline. Inheritance: Autosomal recessive inheritance. Affected: yes.
Comment: The missense c.11259G>T (p.Met3753Ile) variant in the DNAH11 gene has not been reported previously as a pathogenic variant nor as a benign variant, to our knowledge. This variant is absent in the gnomAD Exomes. The amino acid Methionine at position 3753 is changed to a Isoleucine changing protein sequence and it might alter its composition and physico-chemical properties. Computational evidence (SIFT – Tolerated and MutationTaster - Polymorphism) predicts no damaging effect on protein structure and function for this variant. For these reasons, this variant has been classified as Uncertain Significance.